The following is an entry in ClinVar:

NM_018027.5(FRMD4A):c.192A>G (p.Ala64=)

Gene: FRMD4A (FERM domain containing 4A; minus strand). Cytogenetic location: 10p13.
Variant type: single nucleotide variant.
Coding change: c.192A>G on transcript NM_018027.5 (MANE Select); coding-DNA position 192, A replaced by G.
Protein change: p.Ala64=; no amino-acid change (alanine 64 retained).
Molecular consequence: synonymous variant.
Genome position (GRCh38, 1-based): chr10:13,810,828, T>C on the plus strand (A>G on the coding strand, the complement: FRMD4A is on the minus strand). VCF-style: chr10-13810828-T-C. GRCh37 (hg19) VCF-style: chr10-13852828-T-C.
Other names: c.240A>G, p.Ala80= (NM_001318336.2); c.291A>G, p.Ala97= (NM_001318337.2).
Identifiers: ClinVar variation 3341920 (VCV003341920.16).

ClinVar aggregate classification (germline): Likely benign (1 of 4 stars; one submission).

gnomAD v4.1: 10 of 1,572,966 alleles (0.00064%); highest among the groups gnomAD compares: Non-Finnish European, 0.00079%; no homozygotes.

Submission:

CeGaT Center for Human Genetics Tuebingen
Classification: Likely benign. Last evaluated: 2024-08-01. Review status: criteria provided, single submitter. Criteria: CeGaT Center For Human Genetics Tuebingen Variant Classification Criteria Version 2. Collection method: clinical testing. Allele origin: germline. Affected: yes. Observed: 1 variant allele.
Comment: FRMD4A: BP4, BP7